The following is an entry in ClinVar:

NM_178335.3(CCDC50):c.1195C>T (p.Arg399Trp)

Gene: CCDC50 (coiled-coil domain containing 50; plus strand). Cytogenetic location: 3q28.
Variant type: single nucleotide variant.
Coding change: c.1195C>T on transcript NM_178335.3 (MANE Select); coding-DNA position 1195, C replaced by T.
Protein change: p.Arg399Trp; replaces arginine 399 with tryptophan.
Molecular consequence: missense variant.
Genome position (GRCh38, 1-based): chr3:191,380,885, C>T. VCF-style: chr3-191380885-C-T. GRCh37 (hg19) VCF-style: chr3-191098674-C-T.
Other names: c.667C>T, p.Arg223Trp (NM_174908.4); short protein forms R399W, R223W.
Identifiers: ClinVar variation 2394712 (VCV002394712.5), dbSNP rs377042068, ClinGen allele CA2755482.
Genomic context (GRCh38, chr3:191,380,885, plus strand): 5'-TAGGAAATCGCTCGACTTCTAATGGCTGAAGAAAAGAAAGCTTACAAAAAAGCCAAGGAG[C>T]GGGAGAAATCATCTTTGGACAAAAGAAAGCAAGACCCCGAGTGGAAGGTAGAGTGTGTTT-3'
Protein context (NP_848018.1, residues 389-409): EKKAYKKAKE[Arg399Trp]EKSSLDKRKQ

ClinVar aggregate classification (germline): Uncertain significance. Review status: criteria provided, multiple submitters, no conflicts (2 of 4 stars). 2 submissions from 2 submitters: Uncertain significance (2). Last evaluated 2025-06-02.

Allele frequency attached by ClinVar (database versions not stated): ESP Exome Variant Server 0.00008.

Submissions (2):

Labcorp Genetics (formerly Invitae), Labcorp
Classification: Uncertain significance. Last evaluated: 2025-06-02. Review status: criteria provided, single submitter. Criteria: Invitae Variant Classification Sherloc (09022015). Collection method: clinical testing. Allele origin: germline.
Comment: This sequence change replaces arginine, which is basic and polar, with tryptophan, which is neutral and slightly polar, at codon 399 of the CCDC50 protein (p.Arg399Trp). This variant is present in population databases (rs377042068, gnomAD 0.01%). This variant has not been reported in the literature in individuals affected with CCDC50-related conditions. ClinVar contains an entry for this variant (Variation ID: 2394712). An algorithm developed to predict the effect of missense changes on protein structure and function (PolyPhen-2) suggests that this variant is likely to be tolerated. In summary, the available evidence is currently insufficient to determine the role of this variant in disease. Therefore, it has been classified as a Variant of Uncertain Significance.

Ambry Genetics
Classification: Uncertain significance. Last evaluated: 2022-09-28. Review status: criteria provided, single submitter. Criteria: Ambry Variant Classification Scheme 2023. Collection method: clinical testing. Allele origin: germline.